The following is an entry in ClinVar:

NM_014363.6(SACS):c.4117_4118delinsCT (p.Ala1373Leu)

Gene: SACS (sacsin molecular chaperone; minus strand). Cytogenetic location: 13q12.12.
Variant type: Indel.
Coding change: c.4117_4118delinsCT on transcript NM_014363.6 (MANE Select); coding-DNA positions 4117 to 4118, GC replaced by CT.
Protein change: p.Ala1373Leu; replaces alanine 1373 with leucine.
Molecular consequence: missense variant.
Genome position (GRCh38, 1-based): chr13:23,339,758-23,339,759, GC replaced by AG on the plus strand (GC replaced by CT on the coding strand, the reverse complement: SACS is on the minus strand). VCF-style: chr13-23339758-GC-AG. GRCh37 (hg19) VCF-style: chr13-23913897-GC-AG.
Other names: p.Ala1373Leu; c.3676_3677delinsCT, p.Ala1226Leu (NM_001278055.2); c.4117_4118delinsCT (NM_014363.5); short protein forms A1226L, A1373L.
Identifiers: ClinVar variation 212113 (VCV000212113.26), dbSNP rs797045938, ClinGen allele CA206168.

ClinVar aggregate classification (germline): Benign/Likely benign. Review status: criteria provided, multiple submitters, no conflicts (2 of 4 stars). 6 submissions from 6 submitters: Benign (4); Likely benign (2). Last evaluated 2026-02-02.

Conditions:
Spastic paraplegia. Identifiers: MedGen C0037772, HP:0001258.

Submissions (6):

Labcorp Genetics (formerly Invitae), Labcorp
Classification: Benign for Spastic paraplegia. Last evaluated: 2026-02-02. Review status: criteria provided, single submitter. Criteria: Invitae Variant Classification Sherloc (09022015). Collection method: clinical testing. Allele origin: germline.

Mayo Clinic Laboratories, Mayo Clinic
Classification: Benign. Last evaluated: 2024-01-10. Review status: criteria provided, single submitter. Criteria: ACMG Guidelines, 2015. Collection method: clinical testing. Allele origin: germline. Observed: 2 variant alleles.
Comment: BA1, BS2

GeneDx
Classification: Likely benign. Last evaluated: 2021-07-07. Review status: criteria provided, single submitter. Criteria: GeneDx Variant Classification Process June 2021. Collection method: clinical testing. Allele origin: germline. Affected: yes.
Comment: In silico analysis, which includes protein predictors and evolutionary conservation, supports that this variant does not alter protein structure/function; Has not been previously published as pathogenic or benign to our knowledge

Athena Diagnostics
Classification: Benign. Last evaluated: 2018-09-21. Review status: criteria provided, single submitter. Criteria: Athena Diagnostics Criteria. Collection method: clinical testing. Allele origin: germline.

Genetic Services Laboratory, University of Chicago
Classification: Likely benign. Last evaluated: 2017-12-05. Review status: criteria provided, single submitter. Criteria: ACMG Guidelines, 2015. Collection method: clinical testing. Allele origin: germline. Affected: no.

Eurofins Ntd Llc (ga)
Classification: Benign. Last evaluated: 2015-11-18. Review status: criteria provided, single submitter. Criteria: EGL Classification Definitions 2015. Collection method: clinical testing. Allele origin: germline. Observed: 1 variant allele, 1 heterozygote.